The following is an entry in ClinVar:

ClinVar aggregate classification (germline): Uncertain significance. Review status: criteria provided, multiple submitters, no conflicts (2 of 4 stars). 3 submissions from 3 submitters: Uncertain significance (3). Last evaluated 2025-01-21.

Conditions:
Inborn genetic diseases. Identifiers: MedGen C0950123, MeSH D030342.
Cornelia de Lange syndrome 1 (CDLS1). Also called: Brachmann de Lange syndrome; NIPBL-Related Cornelia de Lange Syndrome; TYPUS DEGENERATIVUS AMSTELODAMENSIS. Identifiers: Orphanet 199, MedGen C4551851, MONDO:0007387, OMIM 122470.

Allele frequency attached by ClinVar (database versions not stated): TOPMed 0.00002.
gnomAD v4.1: 3 of 1,613,834 alleles (0.00019%); highest among the groups gnomAD compares: South Asian, 0.0022%; no homozygotes.

Submissions (3):

Ambry Genetics
Classification: Uncertain significance for Inborn genetic diseases. Last evaluated: 2025-01-21. Review status: criteria provided, single submitter. Criteria: Ambry Variant Classification Scheme 2023. Collection method: clinical testing. Allele origin: germline.

Fulgent Genetics
Classification: Uncertain significance for Cornelia de Lange syndrome 1. Last evaluated: 2024-05-17. Review status: criteria provided, single submitter. Criteria: ACMG Guidelines, 2015. Collection method: clinical testing. Allele origin: germline.

Labcorp Genetics (formerly Invitae), Labcorp
Classification: Uncertain significance for Cornelia de Lange syndrome 1. Last evaluated: 2023-11-29. Review status: criteria provided, single submitter. Criteria: Invitae Variant Classification Sherloc (09022015). Collection method: clinical testing. Allele origin: germline.
Comment: This sequence change replaces asparagine, which is neutral and polar, with aspartic acid, which is acidic and polar, at codon 1744 of the NIPBL protein (p.Asn1744Asp). This variant is present in population databases (no rsID available, gnomAD 0.003%). This variant has not been reported in the literature in individuals affected with NIPBL-related conditions. Advanced modeling of protein sequence and biophysical properties (such as structural, functional, and spatial information, amino acid conservation, physicochemical variation, residue mobility, and thermodynamic stability) has been performed at Invitae for this missense variant, however the output from this modeling did not meet the statistical confidence thresholds required to predict the impact of this variant on NIPBL protein function. In summary, the available evidence is currently insufficient to determine the role of this variant in disease. Therefore, it has been classified as a Variant of Uncertain Significance.

NM_133433.4(NIPBL):c.5230A>G (p.Asn1744Asp)

Gene: NIPBL (NIPBL cohesin loading factor; plus strand). Cytogenetic location: 5p13.2.
Variant type: single nucleotide variant.
Coding change: c.5230A>G on transcript NM_133433.4 (MANE Select); coding-DNA position 5230, A replaced by G.
Protein change: p.Asn1744Asp; replaces asparagine 1744 with aspartic acid.
Molecular consequence: missense variant.
Genome position (GRCh38, 1-based): chr5:37,020,779, A>G. VCF-style: chr5-37020779-A-G. GRCh37 (hg19) VCF-style: chr5-37020881-A-G.
Other names: c.5230A>G, p.Asn1744Asp (NM_015384.5); c.5230A>G (NM_133433.3); short protein forms N1744D.
Identifiers: ClinVar variation 2987366 (VCV002987366.5), dbSNP rs773164199, ClinGen allele CA359487752.